The following is an entry in ClinVar:

ClinVar aggregate classification (germline): Conflicting classifications of pathogenicity. Review status: criteria provided, conflicting classifications (1 of 4 stars). 13 submissions from 13 submitters: Uncertain significance (7); Likely benign (4). 2 of the submissions do not count toward it. Last evaluated 2026-07-01.

Conditions:
TTN-related disorder. Also called: TTN-related disorders; TTN-related condition; TTN-related disease.
Cardiovascular phenotype. Identifiers: MedGen CN230736.
Autosomal recessive limb-girdle muscular dystrophy type 2J (LGMDR10). Also called: Limb-girdle muscular dystrophy, type 2J; MUSCULAR DYSTROPHY, LIMB-GIRDLE, AUTOSOMAL RECESSIVE 10. Identifiers: Orphanet 140922, MedGen C1837342, MONDO:0012127, OMIM 608807.
Dilated cardiomyopathy 1G (CMD1G). Identifiers: Orphanet 154, MedGen C1858763, MONDO:0011400, OMIM 604145.
Myopathy, myofibrillar, 9, with early respiratory failure (MFM9). Also called: Hereditary myopathy with early respiratory failure; EDSTROM MYOPATHY; MYOPATHY, PROXIMAL, WITH EARLY RESPIRATORY MUSCLE INVOLVEMENT; Myopathy, distal, with early respiratory failure, autosomal dominant. Identifiers: Orphanet 178464, Orphanet 34521, MedGen C1863599, MONDO:0011362, OMIM 603689.
Tibial muscular dystrophy (TMD). Also called: Tibial muscular dystrophy, tardive; UDD MYOPATHY; Udd Distal Myopathy – Tibial Muscular Dystrophy. Identifiers: Orphanet 609, MedGen C1838244, MONDO:0010870, OMIM 600334.
Hypertrophic cardiomyopathy 9. Also called: Familial hypertrophic cardiomyopathy 9. Identifiers: MedGen C1861065, MONDO:0013412, OMIM 613765.
Early-onset myopathy with fatal cardiomyopathy (CMYO5). Also called: Salih Myopathy; CONGENITAL MYOPATHY 5 WITH CARDIOMYOPATHY. Identifiers: Orphanet 289377, MedGen C2673677, MONDO:0012714, OMIM 611705. Disease mechanism: loss of function.

Allele frequency attached by ClinVar (database versions not stated): gnomAD 0.00009; gnomAD exomes 0.00010 and 0.00012; ExAC 0.00013; TOPMed 0.00014; ESP Exome Variant Server 0.00033.
gnomAD v4.1: 164 of 1,613,292 alleles (0.01%); highest among the groups gnomAD compares: Admixed American, 0.025%; no homozygotes.

Submissions (13):

CeGaT Center for Human Genetics Tuebingen
Classification: Uncertain significance. Last evaluated: 2026-07-01. Review status: criteria provided, single submitter. Criteria: CeGaT Center For Human Genetics Tuebingen Variant Classification Criteria Version 2. Collection method: clinical testing. Allele origin: germline. Affected: yes. Observed: 3 variant alleles.
Comment: TTN: PM2:Supporting

PreventionGenetics, part of Exact Sciences
Classification: Uncertain significance for TTN-related condition. Last evaluated: 2026-06-19. Review status: criteria provided, single submitter. Criteria: ACMG Guidelines, 2015. Collection method: clinical testing. Allele origin: germline.
Comment: The TTN c.60146G>A variant is predicted to result in the amino acid substitution p.Arg20049His. To our knowledge, this variant has not been reported in the literature. This variant is reported in 0.017% of alleles in individuals of European (Non-Finnish) descent in gnomAD. Although we suspect that this variant may be benign, at this time, the clinical significance of this variant is uncertain due to the absence of conclusive functional and genetic evidence.

Molecular Diagnostic Laboratory for Inherited Cardiovascular Disease, Montreal Heart Institute
Classification: Likely benign. Last evaluated: 2025-04-09. Review status: criteria provided, single submitter. Criteria: ACMG Guidelines, 2015. Collection method: clinical testing. Allele origin: germline. Affected: no.

Blueprint Genetics
Classification: Likely benign. Last evaluated: 2024-01-31. Review status: criteria provided, single submitter. Criteria: ACMG Guidelines, 2015. Collection method: clinical testing. Allele origin: germline.

Department of Pathology and Laboratory Medicine, Sinai Health System
Classification: Uncertain significance for Tibial muscular dystrophy; Myopathy, myofibrillar, 9, with early respiratory failure; Dilated cardiomyopathy 1G; Autosomal recessive limb-girdle muscular dystrophy type 2J; Early-onset myopathy with fatal cardiomyopathy; Hypertrophic cardiomyopathy 9. Last evaluated: 2023-10-03. Review status: criteria provided, single submitter. Criteria: ACMG Guidelines, 2015. Collection method: research. Allele origin: germline.

Ambry Genetics
Classification: Likely benign for Cardiovascular phenotype. Last evaluated: 2021-11-09. Review status: criteria provided, single submitter. Criteria: Ambry Variant Classification Scheme 2023. Collection method: clinical testing. Allele origin: germline.

Athena Diagnostics
Classification: Uncertain significance. Last evaluated: 2021-04-06. Review status: criteria provided, single submitter. Criteria: Athena Diagnostics criteria. Collection method: clinical testing. Allele origin: unknown.

GeneDx
Classification: Likely benign. Last evaluated: 2020-11-12. Review status: criteria provided, single submitter. Criteria: GeneDx Variant Classification Process June 2021. Collection method: clinical testing. Allele origin: germline. Affected: yes.

Revvity Omics, Revvity
Classification: Uncertain significance. Last evaluated: 2019-07-22. Review status: criteria provided, single submitter. Criteria: ACMG Guidelines, 2015. Collection method: clinical testing. Allele origin: germline.

Labcorp Genetics (formerly Invitae), Labcorp
Classification: Uncertain significance for Dilated cardiomyopathy 1G; Autosomal recessive limb-girdle muscular dystrophy type 2J. Last evaluated: 2017-06-22. Review status: criteria provided, single submitter. Criteria: Invitae Variant Classification Sherloc (09022015). Collection method: clinical testing. Allele origin: germline.

Laboratory for Molecular Medicine, Mass General Brigham Personalized Medicine
Classification: Uncertain significance. Last evaluated: 2015-03-05. Review status: criteria provided, single submitter. Criteria: LMM Criteria. Collection method: clinical testing. Allele origin: germline. Observed: 2 variant alleles.
Comment: The p.Arg17481His variant in TTN has not been previously reported in individuals with cardiomyopathy, but has been identified in 14/67672 European chromosomes b y the Exome Aggregation Consortium (ExAC; dbSNP rs200455644). Computational prediction tools and conservation analysis suggest t hat this variant may impact the protein, though this information is not predicti ve enough to determine pathogenicity. In summary, the clinical significance of t he p.Arg17481His variant is uncertain.

Clinical Genetics DNA and cytogenetics Diagnostics Lab, Erasmus MC, Erasmus Medical Center
Classification: Uncertain significance. Review status: no assertion criteria provided. Collection method: clinical testing. Allele origin: germline. Affected: yes. Study: VKGL Data-share Consensus. Not counted in ClinVar's aggregate classification.

Clinical Genetics, Academic Medical Center
Classification: Uncertain significance. Review status: no assertion criteria provided. Collection method: clinical testing. Allele origin: germline. Affected: yes. Study: VKGL Data-share Consensus. Not counted in ClinVar's aggregate classification.

NM_001267550.2(TTN):c.60146G>A (p.Arg20049His)

Genes: TTN (titin; minus strand), TTN-AS1 (TTN antisense RNA 1; plus strand), LOC126806424 (CDK7 strongly-dependent group 2 enhancer GRCh37_chr2:179456337-179457536; plus strand). Cytogenetic location: 2q31.2.
Variant type: single nucleotide variant.
Coding change: c.60146G>A on transcript NM_001267550.2 (MANE Select); coding-DNA position 60146, G replaced by A.
Protein change: p.Arg20049His; replaces arginine 20049 with histidine.
Molecular consequence: missense variant.
Genome position (GRCh38, 1-based): chr2:178,591,673, C>T on the plus strand (G>A on the coding strand, the complement: TTN is on the minus strand). VCF-style: chr2-178591673-C-T. GRCh37 (hg19) VCF-style: chr2-179456400-C-T.
Other names: p.R18408H:CGT>CAT; c.55223G>A, p.Arg18408His (NM_001256850.1); c.52442G>A, p.Arg17481His (NM_133378.4); c.32951G>A, p.Arg10984His (NM_003319.4); c.33326G>A, p.Arg11109His (NM_133432.3); c.33527G>A, p.Arg11176His (NM_133437.4); c.60146G>A (NM_001267550.1); short protein forms R18408H, R20049H, R17481H, R11109H, R11176H, R10984H.
Identifiers: ClinVar variation 202748 (VCV000202748.25), dbSNP rs200455644, ClinGen allele CA310164.